The following is an entry in ClinVar:

NM_001035.3(RYR2):c.677-13T>G

Gene: RYR2 (ryanodine receptor 2; plus strand). Cytogenetic location: 1q43.
Variant type: single nucleotide variant.
Coding change: c.677-13T>G on transcript NM_001035.3 (MANE Select); 13 bases into the intron before coding-DNA position 677, T replaced by G.
Molecular consequence: intron variant.
Genome position (GRCh38, 1-based): chr1:237,388,074, T>G. VCF-style: chr1-237388074-T-G. GRCh37 (hg19) VCF-style: chr1-237551374-T-G.
Identifiers: ClinVar variation 1332620 (VCV001332620.12), dbSNP rs571476497, ClinGen allele CA087201.

ClinVar aggregate classification (germline): Likely benign. Review status: criteria provided, multiple submitters, no conflicts (2 of 4 stars). 3 submissions from 3 submitters: Likely benign (3). Last evaluated 2025-06-30.

Conditions:
Catecholaminergic polymorphic ventricular tachycardia 1. Also called: VENTRICULAR TACHYCARDIA, CATECHOLAMINERGIC POLYMORPHIC, 1, WITH OR WITHOUT ATRIAL DYSFUNCTION AND/OR DILATED CARDIOMYOPATHY; VENTRICULAR TACHYCARDIA, STRESS-INDUCED POLYMORPHIC 1; RYR2-Related Catecholaminergic Polymorphic Ventricular Tachycardia. Identifiers: Orphanet 3286, MedGen C1631597, MONDO:0011484, OMIM 604772.
Catecholaminergic polymorphic ventricular tachycardia (CVPT). Also called: Catecholamine-induced polymorphic ventricular tachycardia. Identifiers: Orphanet 3286, MedGen C5574922, MONDO:0017990.
Cardiomyopathy (CMYO). Also called: Cardiomyopathies. Identifiers: Orphanet 167848, MedGen C0878544, MONDO:0004994, HP:0001638. Inheritance: Various modes of inheritance.

Allele frequency attached by ClinVar (database versions not stated): gnomAD exomes below 0.00001 and 0.00002; gnomAD 0.00004 and 0.00005; ExAC 0.00005; TOPMed 0.00005; 1000 Genomes Project 30x 0.00016; 1000 Genomes Project 0.00020.
gnomAD v4.1: 10 of 1,611,132 alleles (0.00062%); highest among the groups gnomAD compares: African/African-American, 0.013%; no homozygotes.

Submissions (3):

Labcorp Genetics (formerly Invitae), Labcorp
Classification: Likely benign for Catecholaminergic polymorphic ventricular tachycardia 1. Last evaluated: 2025-06-30. Review status: criteria provided, single submitter. Criteria: Invitae Variant Classification Sherloc (09022015). Collection method: clinical testing. Allele origin: germline.

All of Us Research Program, National Institutes of Health
Classification: Likely benign for Catecholaminergic polymorphic ventricular tachycardia. Last evaluated: 2024-02-22. Review status: criteria provided, single submitter. Criteria: ACMG Guidelines, 2015. Collection method: clinical testing. Allele origin: germline. Inheritance: Autosomal dominant inheritance. Observed: 1 variant allele, 1 heterozygote.
Comment: This study involves interpretation of variants in research participants for the purpose of population health screening. Participant phenotype was not available at the time of variant classification. Additional details can be found in publication PMID: 35346344, PMCID: PMC8962531

Color Diagnostics, LLC DBA Color Health
Classification: Likely benign for Cardiomyopathy. Last evaluated: 2021-07-27. Review status: criteria provided, single submitter. Criteria: ACMG Guidelines, 2015. Collection method: clinical testing. Allele origin: germline.